The following is an entry in ClinVar:

NM_006031.6(PCNT):c.25_34del (p.Arg9fs)

Gene: PCNT (pericentrin; plus strand). Cytogenetic location: 21q22.3.
Variant type: Deletion.
Coding change: c.25_34del on transcript NM_006031.6 (MANE Select); coding-DNA positions 25 to 34, 10 bases deleted (CGCAGAAAGG; older notation c.25_34delCGCAGAAAGG).
Protein change: p.Arg9fs; shifts the reading frame from arginine 9.
Molecular consequence: frameshift variant.
Genome position (GRCh38, 1-based): chr21:46,324,253-46,324,262, CGCAGAAAGG deleted; deleting any 10 consecutive bases within chr21:46,324,251-46,324,262 gives the same sequence; the c. name uses the placement nearest the transcript's 3' end. VCF-style (leftmost placement, unchanged base first): chr21-46324250-CGGCGCAGAAA-C. GRCh37 (hg19) VCF-style: chr21-47744164-CGGCGCAGAAA-C.
Other names: short protein forms R9fs.
Identifiers: ClinVar variation 2842161 (VCV002842161.3), dbSNP rs2517836259, ClinGen allele CA2655017971.

ClinVar aggregate classification (germline): Pathogenic (1 of 4 stars; one submission).

Submission:

Labcorp Genetics (formerly Invitae), Labcorp
Classification: Pathogenic. Last evaluated: 2023-03-02. Review status: criteria provided, single submitter. Criteria: Invitae Variant Classification Sherloc (09022015). Collection method: clinical testing. Allele origin: germline.
Comment: This variant is not present in population databases (gnomAD no frequency). This sequence change creates a premature translational stop signal (p.Arg9Trpfs*45) in the PCNT gene. It is expected to result in an absent or disrupted protein product. Loss-of-function variants in PCNT are known to be pathogenic (PMID: 18174396, 22821869). This variant has not been reported in the literature in individuals affected with PCNT-related conditions. For these reasons, this variant has been classified as Pathogenic.

Literature cited by the submitters: PubMed 18174396; PubMed 22821869.